The following is an entry in ClinVar:

ClinVar aggregate classification (germline): Conflicting classifications of pathogenicity. Review status: criteria provided, conflicting classifications (1 of 4 stars). 2 submissions from 2 submitters: Uncertain significance (1); Likely benign (1). Last evaluated 2022-11-01.

Allele frequency attached by ClinVar (database versions not stated): ESP Exome Variant Server 0.00008; gnomAD 0.00008; ExAC 0.00015.
gnomAD v4.1: 134 of 1,562,318 alleles (0.0086%); highest among the groups gnomAD compares: Middle Eastern, 0.023%; 11 homozygotes.

Submissions (2):

CeGaT Center for Human Genetics Tuebingen
Classification: Likely benign. Last evaluated: 2022-11-01. Review status: criteria provided, single submitter. Criteria: CeGaT Center For Human Genetics Tuebingen Variant Classification Criteria Version 2. Collection method: clinical testing. Allele origin: germline. Affected: yes. Observed: 1 variant allele.
Comment: MUC5B: BP4, BS2

Ambry Genetics
Classification: Uncertain significance. Last evaluated: 2021-08-25. Review status: criteria provided, single submitter. Criteria: Ambry Variant Classification Scheme 2023. Collection method: clinical testing. Allele origin: germline.

NM_002458.3(MUC5B):c.8525C>T (p.Thr2842Met)

Genes: MUC5B (mucin 5B, oligomeric mucus/gel-forming; plus strand), MUC5B-AS1 (MUC5B antisense RNA 1; minus strand). Cytogenetic location: 11p15.5.
Variant type: single nucleotide variant.
Coding change: c.8525C>T on transcript NM_002458.3 (MANE Select); coding-DNA position 8525, C replaced by T.
Protein change: p.Thr2842Met; replaces threonine 2842 with methionine.
Molecular consequence: missense variant.
Genome position (GRCh38, 1-based): chr11:1,245,405, C>T. VCF-style: chr11-1245405-C-T. GRCh37 (hg19) VCF-style: chr11-1266635-C-T.
Other names: short protein forms T2842M.
Identifiers: ClinVar variation 2246968 (VCV002246968.26), dbSNP rs374596015, ClinGen allele CA5806671.
Genomic context (GRCh38, chr11:1,245,405, plus strand): 5'-CCCCTTCTCCAGGGACGACCACCCCGGGCCACACCAGGGCCACCTCCAGGACCACGGCCA[C>T]GGCCACACCCAGCAAGACCCGCACCTCGACCCTGCTGCCCAGCAGCCCCACATCGGCCCC-3'
Protein context (NP_002449.2, residues 2832-2852): HTRATSRTTA[Thr2842Met]ATPSKTRTST